The following is an entry in ClinVar:

NM_007314.4(ABL2):c.2085A>G (p.Leu695=)

Gene: ABL2 (ABL proto-oncogene 2, non-receptor tyrosine kinase; minus strand). Cytogenetic location: 1q25.2.
Variant type: single nucleotide variant.
Coding change: c.2085A>G on transcript NM_007314.4 (MANE Select); coding-DNA position 2085, A replaced by G.
Protein change: p.Leu695=; no amino-acid change (leucine 695 retained).
Molecular consequence: synonymous variant. On other transcripts: intron variant (4).
Genome position (GRCh38, 1-based): chr1:179,109,182, T>C on the plus strand (A>G on the coding strand, the complement: ABL2 is on the minus strand). VCF-style: chr1-179109182-T-C. GRCh37 (hg19) VCF-style: chr1-179078317-T-C.
Other names: c.2022A>G, p.Leu674= (NM_001168236.2); c.2040A>G, p.Leu680= (NM_005158.5); c.1996+26A>G (NM_001168238.2); c.2059+26A>G (NM_001168237.2); c.1951+26A>G (NM_001168239.2); c.2014+26A>G (NM_001136000.3).
Identifiers: ClinVar variation 91974 (VCV000091974.2), dbSNP rs386352273, ClinGen allele CA232275.

ClinVar aggregate classification (germline): Uncertain significance (0 of 4 stars; one submission).

Allele frequency attached by ClinVar (database versions not stated): gnomAD exomes 0.00001 and 0.00002; gnomAD 0.00001; ExAC 0.00001.
gnomAD v4.1: 6 of 1,613,630 alleles (0.00037%); highest among the groups gnomAD compares: Admixed American, 0.01%; no homozygotes.

Submission:

Richard Lifton Laboratory, Yale University School of Medicine
Classification: Uncertain significance. Review status: no assertion criteria provided. Collection method: not provided. Allele origin: somatic.
Comment: ABL2
ClinVar note: Converted during submission from unknown to Uncertain significance.